The following is an entry in ClinVar:

ClinVar aggregate classification (germline): Uncertain significance (1 of 4 stars; one submission).

Allele frequency attached by ClinVar (database versions not stated): gnomAD exomes below 0.00001.
gnomAD v4.1: 4 of 1,614,132 alleles (0.00025%); highest among the groups gnomAD compares: Non-Finnish European, 0.00034%; no homozygotes.

Submission:

Labcorp Genetics (formerly Invitae), Labcorp
Classification: Uncertain significance. Last evaluated: 2022-12-26. Review status: criteria provided, single submitter. Criteria: Invitae Variant Classification Sherloc (09022015). Collection method: clinical testing. Allele origin: germline.
Comment: This sequence change replaces proline, which is neutral and non-polar, with threonine, which is neutral and polar, at codon 317 of the FBLN5 protein (p.Pro317Thr). This variant is not present in population databases (gnomAD no frequency). This variant has not been reported in the literature in individuals affected with FBLN5-related conditions. Advanced modeling of protein sequence and biophysical properties (such as structural, functional, and spatial information, amino acid conservation, physicochemical variation, residue mobility, and thermodynamic stability) performed at Invitae indicates that this missense variant is not expected to disrupt FBLN5 protein function. In summary, the available evidence is currently insufficient to determine the role of this variant in disease. Therefore, it has been classified as a Variant of Uncertain Significance.

NM_006329.4(FBLN5):c.949C>A (p.Pro317Thr)

Gene: FBLN5 (fibulin 5; minus strand). Cytogenetic location: 14q32.12.
Variant type: single nucleotide variant.
Coding change: c.949C>A on transcript NM_006329.4 (MANE Select); coding-DNA position 949, C replaced by A.
Protein change: p.Pro317Thr; replaces proline 317 with threonine.
Molecular consequence: missense variant.
Genome position (GRCh38, 1-based): chr14:91,881,332, G>T on the plus strand (C>A on the coding strand, the complement: FBLN5 is on the minus strand). VCF-style: chr14-91881332-G-T. GRCh37 (hg19) VCF-style: chr14-92347676-G-T.
Other names: c.1072C>A, p.Pro358Thr (NM_001384158.1); c.1000C>A, p.Pro334Thr (NM_001384159.1); c.949C>A, p.Pro317Thr (NM_001384160.1); c.781C>A, p.Pro261Thr (NM_001384161.1, NM_001384162.1); short protein forms P261T, P317T, P358T, P334T.
Identifiers: ClinVar variation 2824361 (VCV002824361.3), dbSNP rs2542765156, ClinGen allele CA390641877.